The following is an entry in ClinVar:

NM_001365951.3(KIF1B):c.493A>G (p.Asn165Asp)

Gene: KIF1B (kinesin family member 1B; plus strand). Cytogenetic location: 1p36.22.
Variant type: single nucleotide variant.
Coding change: c.493A>G on transcript NM_001365951.3 (MANE Select); coding-DNA position 493, A replaced by G.
Protein change: p.Asn165Asp; replaces asparagine 165 with aspartic acid.
Molecular consequence: missense variant.
Genome position (GRCh38, 1-based): chr1:10,267,443, A>G. VCF-style: chr1-10267443-A-G. GRCh37 (hg19) VCF-style: chr1-10327501-A-G.
Other names: c.493A>G, p.Asn165Asp (NM_001365952.1, NM_001365953.1, NM_015074.3 and 1 more transcripts); short protein forms N165D.
Identifiers: ClinVar variation 3864027 (VCV003864027.1).
Genomic context (GRCh38, chr1:10,267,443, plus strand): 5'-AGCTACATGGAAATTTACTGTGAAAGAGTACGAGATTTGCTGAATCCAAAAAACAAGGGT[A>G]ATTTGCGTGTGCGTGAACACCCACTTCTTGGACCCTATGTGGAGGATCTGTCCAAGTTGG-3'
Protein context (NP_001352880.1, residues 155-175): RDLLNPKNKG[Asn165Asp]LRVREHPLLG

ClinVar aggregate classification (germline): Uncertain significance (1 of 4 stars; one submission).

Submission:

Ambry Genetics
Classification: Uncertain significance. Last evaluated: 2025-02-02. Review status: criteria provided, single submitter. Criteria: Ambry Variant Classification Scheme 2023. Collection method: clinical testing. Allele origin: germline.
Comment: The p.N165D variant (also known as c.493A>G), located in coding exon 5 of the KIF1B gene, results from an A to G substitution at nucleotide position 493. The asparagine at codon 165 is replaced by aspartic acid, an amino acid with highly similar properties. This amino acid position is conserved. In addition, this alteration is predicted to be tolerated by in silico analysis. Based on the available evidence, the clinical significance of this variant remains unclear.